The following is an entry in ClinVar:

ClinVar aggregate classification (germline): Pathogenic. Review status: reviewed by expert panel (3 of 4 stars). 3 submissions from 3 submitters: Pathogenic (1). 2 of the submissions do not count toward it. Last evaluated 2020-09-06.

Conditions:
Glanzmann thrombasthenia. Also called: BLEEDING DISORDER, PLATELET-TYPE, 2; THROMBASTHENIA OF GLANZMANN AND NAEGELI; Thrombasthenia; PLATELET GLYCOPROTEIN IIb-IIIa DEFICIENCY; Glanzmann's thrombasthenia. Identifiers: Orphanet 849, MedGen C0040015, MONDO:0100326.

Submissions (3):

ClinGen Platelet Disorders Variant Curation Expert Panel, ClinGen
Classification: Pathogenic for Glanzmann thrombasthenia. Last evaluated: 2020-09-06. Review status: reviewed by expert panel. Criteria: ClinGen Platelet ACMG Specifications v2. Collection method: curation. Allele origin: germline. Inheritance: Autosomal recessive inheritance.
Comment: The nonsense variant, NM_000419.4:c.2344C>T (p.Arg782Ter) is expected to cause NMD of the resulting transcript. The variant is absent from population databases. The variant is reported in one compound heterozygous individual with the frameshift variant, Leu973AlafsTer63 (PMID: 28888044) and two homozygous individuals in (PMID: 31064749). In summary, based on the evidence available at this time, the variant is classified as pathogenic. GT-specific criteria applied: PVS1, PP4_moderate, PM2_supporting, PM3_supporting.

Labcorp Genetics (formerly Invitae), Labcorp
Classification: Pathogenic for Glanzmann thrombasthenia. Last evaluated: 2023-04-11. Review status: criteria provided, single submitter. Criteria: Invitae Variant Classification Sherloc (09022015). Collection method: clinical testing. Allele origin: germline. Not counted in ClinVar's aggregate classification.
Comment: For these reasons, this variant has been classified as Pathogenic. ClinVar contains an entry for this variant (Variation ID: 626927). This premature translational stop signal has been observed in individual(s) with clinical features of Glanzmann thrombasthenia (PMID: 28888044, 31064749). This variant is not present in population databases (gnomAD no frequency). This sequence change creates a premature translational stop signal (p.Arg782*) in the ITGA2B gene. It is expected to result in an absent or disrupted protein product. Loss-of-function variants in ITGA2B are known to be pathogenic (PMID: 21917754).

NIHR Bioresource Rare Diseases, University of Cambridge
Classification: Likely pathogenic for Glanzmann thrombasthenia 1. Last evaluated: 2019-02-01. Review status: criteria provided, single submitter. Criteria: ACMG Guidelines, 2015. Collection method: research. Allele origin: unknown. Affected: yes. Observed: 2 homozygotes. Study: ThromboGenomics. Not counted in ClinVar's aggregate classification.

Literature cited by the submitters: PubMed 28888044 (cited by ClinGen Platelet Disorders Variant Curation Expert Panel, ClinGen and Labcorp Genetics (formerly Invitae), Labcorp); PubMed 31064749 (cited by Labcorp Genetics (formerly Invitae), Labcorp and NIHR Bioresource Rare Diseases, University of Cambridge); PubMed 21917754 (cited by Labcorp Genetics (formerly Invitae), Labcorp).

NM_000419.5(ITGA2B):c.2344C>T (p.Arg782Ter)

Gene: ITGA2B (integrin subunit alpha 2b; minus strand). Cytogenetic location: 17q21.31.
Variant type: single nucleotide variant.
Coding change: c.2344C>T on transcript NM_000419.5 (MANE Select); coding-DNA position 2344, C replaced by T.
Protein change: p.Arg782Ter; replaces arginine 782 with a stop codon.
Molecular consequence: nonsense.
Genome position (GRCh38, 1-based): chr17:44,376,312, G>A on the plus strand (C>T on the coding strand, the complement: ITGA2B is on the minus strand). VCF-style: chr17-44376312-G-A. GRCh37 (hg19) VCF-style: chr17-42453680-G-A.
Other names: NM_000419.4:c.2344C>T; c.2344C>T (LRG_479t1); short protein forms R782*.
Identifiers: ClinVar variation 626927 (VCV000626927.8), dbSNP rs1598377051, ClinGen allele CA399796586.